The following is an entry in ClinVar:

ClinVar aggregate classification (germline): Uncertain significance (1 of 4 stars; one submission).

gnomAD v4.1: 10 of 1,613,918 alleles (0.00062%); highest among the groups gnomAD compares: Admixed American, 0.0033%; no homozygotes.

Submission:

Labcorp Genetics (formerly Invitae), Labcorp
Classification: Uncertain significance. Last evaluated: 2024-07-16. Review status: criteria provided, single submitter. Criteria: Invitae Variant Classification Sherloc (09022015). Collection method: clinical testing. Allele origin: germline.
Comment: This sequence change replaces valine, which is neutral and non-polar, with isoleucine, which is neutral and non-polar, at codon 874 of the FN1 protein (p.Val874Ile). This variant is present in population databases (rs761224603, gnomAD 0.006%). This variant has not been reported in the literature in individuals affected with FN1-related conditions. Advanced modeling of protein sequence and biophysical properties (such as structural, functional, and spatial information, amino acid conservation, physicochemical variation, residue mobility, and thermodynamic stability) performed at Invitae indicates that this missense variant is not expected to disrupt FN1 protein function with a negative predictive value of 80%. In summary, the available evidence is currently insufficient to determine the role of this variant in disease. Therefore, it has been classified as a Variant of Uncertain Significance.

NM_212482.4(FN1):c.2620G>A (p.Val874Ile)

Gene: FN1 (fibronectin 1; minus strand). Cytogenetic location: 2q35.
Variant type: single nucleotide variant.
Coding change: c.2620G>A on transcript NM_212482.4 (MANE Select); coding-DNA position 2620, G replaced by A.
Protein change: p.Val874Ile; replaces valine 874 with isoleucine.
Molecular consequence: missense variant.
Genome position (GRCh38, 1-based): chr2:215,407,220, C>T on the plus strand (G>A on the coding strand, the complement: FN1 is on the minus strand). VCF-style: chr2-215407220-C-T. GRCh37 (hg19) VCF-style: chr2-216271943-C-T.
Other names: c.2620G>A, p.Val874Ile (NM_001365520.2, NM_001365521.2, NM_001365522.2 and 13 more transcripts); short protein forms V874I.
Identifiers: ClinVar variation 3610164 (VCV003610164.2).